The following is an entry in ClinVar:

ClinVar aggregate classification (germline): Uncertain significance (1 of 4 stars; one submission).

Allele frequency attached by ClinVar (database versions not stated): TOPMed 0.00001.
gnomAD v4.1: 34 of 1,614,028 alleles (0.0021%); highest among the groups gnomAD compares: East Asian, 0.065%; no homozygotes.

Submission:

Labcorp Genetics (formerly Invitae), Labcorp
Classification: Uncertain significance. Last evaluated: 2022-07-26. Review status: criteria provided, single submitter. Criteria: Invitae Variant Classification Sherloc (09022015). Collection method: clinical testing. Allele origin: germline.
Comment: This sequence change replaces glycine, which is neutral and non-polar, with arginine, which is basic and polar, at codon 1943 of the MCM3AP protein (p.Gly1943Arg). This variant is present in population databases (rs562593941, gnomAD 0.04%). This variant has not been reported in the literature in individuals affected with MCM3AP-related conditions. Algorithms developed to predict the effect of missense changes on protein structure and function are either unavailable or do not agree on the potential impact of this missense change (SIFT: "Tolerated"; PolyPhen-2: "Possibly Damaging"; Align-GVGD: "Class C0"). In summary, the available evidence is currently insufficient to determine the role of this variant in disease. Therefore, it has been classified as a Variant of Uncertain Significance.

NM_003906.5(MCM3AP):c.5827G>C (p.Gly1943Arg)

Genes: MCM3AP (minichromosome maintenance complex component 3 associated protein; minus strand), MCM3AP-AS1 (MCM3AP antisense RNA 1; plus strand). Cytogenetic location: 21q22.3.
Variant type: single nucleotide variant.
Coding change: c.5827G>C on transcript NM_003906.5 (MANE Select); coding-DNA position 5827, G replaced by C.
Protein change: p.Gly1943Arg; replaces glycine 1943 with arginine.
Molecular consequence: missense variant.
Genome position (GRCh38, 1-based): chr21:46,235,384, C>G on the plus strand (G>C on the coding strand, the complement: MCM3AP is on the minus strand). VCF-style: chr21-46235384-C-G. GRCh37 (hg19) VCF-style: chr21-47655298-C-G.
Other names: short protein forms G1943R.
Identifiers: ClinVar variation 1989621 (VCV001989621.1), dbSNP rs562593941, ClinGen allele CA10075725.